The following is an entry in ClinVar:

NM_000223.4(KRT12):c.523G>A (p.Asp175Asn)

Gene: KRT12 (keratin 12; minus strand). Cytogenetic location: 17q21.2.
Variant type: single nucleotide variant.
Coding change: c.523G>A on transcript NM_000223.4 (MANE Select); coding-DNA position 523, G replaced by A.
Protein change: p.Asp175Asn; replaces aspartic acid 175 with asparagine.
Molecular consequence: missense variant.
Genome position (GRCh38, 1-based): chr17:40,866,664, C>T on the plus strand (G>A on the coding strand, the complement: KRT12 is on the minus strand). VCF-style: chr17-40866664-C-T. GRCh37 (hg19) VCF-style: chr17-39022916-C-T.
Other names: short protein forms D175N.
Identifiers: ClinVar variation 2672273 (VCV002672273.2), dbSNP rs200941376, ClinGen allele CA8548872.

ClinVar aggregate classification (germline): Conflicting classifications of pathogenicity. Review status: criteria provided, conflicting classifications (1 of 4 stars). 2 submissions from 2 submitters: Uncertain significance (1); Benign (1). Last evaluated 2025-09-19.

Conditions:
Corneal dystrophy, Meesmann, 1 (MECD1). Identifiers: Orphanet 98954, MedGen C5231499, MONDO:0020791, OMIM 122100.

Allele frequency attached by ClinVar (database versions not stated): gnomAD 0.00002; TOPMed 0.00003; 1000 Genomes Project 30x 0.00016; ExAC 0.00001; gnomAD exomes 0.00001; 1000 Genomes Project 0.00020.
gnomAD v4.1: 18 of 1,614,166 alleles (0.0011%); highest among the groups gnomAD compares: Middle Eastern, 0.016%; no homozygotes.

Submissions (2):

Labcorp Genetics (formerly Invitae), Labcorp
Classification: Uncertain significance. Last evaluated: 2025-09-19. Review status: criteria provided, single submitter. Criteria: Invitae Variant Classification Sherloc (09022015). Collection method: clinical testing. Allele origin: germline.
Comment: This sequence change replaces aspartic acid, which is acidic and polar, with asparagine, which is neutral and polar, at codon 175 of the KRT12 protein (p.Asp175Asn). This variant is present in population databases (rs200941376, gnomAD 0.02%). This variant has not been reported in the literature in individuals affected with KRT12-related conditions. ClinVar contains an entry for this variant (Variation ID: 2672273). Invitae Evidence Modeling of protein sequence and biophysical properties (such as structural, functional, and spatial information, amino acid conservation, physicochemical variation, residue mobility, and thermodynamic stability) indicates that this missense variant is not expected to disrupt KRT12 protein function with a negative predictive value of 80%. In summary, the available evidence is currently insufficient to determine the role of this variant in disease. Therefore, it has been classified as a Variant of Uncertain Significance.

Genomic Medicine Center of Excellence, King Faisal Specialist Hospital and Research Centre
Classification: Benign for Corneal dystrophy, Meesmann, 1. Last evaluated: 2023-12-12. Review status: criteria provided, single submitter. Criteria: ACMG Guidelines, 2015. Collection method: research. Allele origin: germline.